The following is an entry in ClinVar:

NM_006767.4(LZTR1):c.1379T>G (p.Val460Gly)

Gene: LZTR1 (leucine zipper like post translational regulator 1; plus strand). Cytogenetic location: 22q11.21.
Variant type: single nucleotide variant.
Coding change: c.1379T>G on transcript NM_006767.4 (MANE Select); coding-DNA position 1379, T replaced by G.
Protein change: p.Val460Gly; replaces valine 460 with glycine.
Molecular consequence: missense variant.
Genome position (GRCh38, 1-based): chr22:20,993,949, T>G. VCF-style: chr22-20993949-T-G. GRCh37 (hg19) VCF-style: chr22-21348238-T-G.
Other names: short protein forms V460G.
Identifiers: ClinVar variation 1771239 (VCV001771239.5), dbSNP rs982153864, ClinGen allele CA322268886.

ClinVar aggregate classification (germline): Uncertain significance. Review status: criteria provided, multiple submitters, no conflicts (2 of 4 stars). 2 submissions from 2 submitters: Uncertain significance (2). Last evaluated 2024-02-23.

Conditions:
Cardiovascular phenotype. Identifiers: MedGen CN230736.
Hereditary cancer-predisposing syndrome. Also called: Hereditary Cancer Syndrome; Hereditary neoplastic syndrome; Neoplastic Syndromes, Hereditary; Tumor predisposition. Identifiers: Orphanet 140162, MedGen C0027672, MeSH D009386, MONDO:0015356.

Submissions (2):

Labcorp Genetics (formerly Invitae), Labcorp
Classification: Uncertain significance. Last evaluated: 2024-02-23. Review status: criteria provided, single submitter. Criteria: Invitae Variant Classification Sherloc (09022015). Collection method: clinical testing. Allele origin: germline.
Comment: This sequence change replaces valine, which is neutral and non-polar, with glycine, which is neutral and non-polar, at codon 460 of the LZTR1 protein (p.Val460Gly). This variant is not present in population databases (gnomAD no frequency). This variant has not been reported in the literature in individuals affected with LZTR1-related conditions. ClinVar contains an entry for this variant (Variation ID: 1771239). Advanced modeling of protein sequence and biophysical properties (such as structural, functional, and spatial information, amino acid conservation, physicochemical variation, residue mobility, and thermodynamic stability) performed at Invitae indicates that this missense variant is not expected to disrupt LZTR1 protein function with a negative predictive value of 80%. In summary, the available evidence is currently insufficient to determine the role of this variant in disease. Therefore, it has been classified as a Variant of Uncertain Significance.

Ambry Genetics
Classification: Uncertain significance for Cardiovascular phenotype; Hereditary cancer-predisposing syndrome. Last evaluated: 2021-01-27. Review status: criteria provided, single submitter. Criteria: Ambry Variant Classification Scheme 2023. Collection method: clinical testing. Allele origin: germline.
Comment: The p.V460G variant (also known as c.1379T>G), located in coding exon 13 of the LZTR1 gene, results from a T to G substitution at nucleotide position 1379. The valine at codon 460 is replaced by glycine, an amino acid with dissimilar properties. This amino acid position is not well conserved in available vertebrate species. In addition, this alteration is predicted to be tolerated by in silico analysis. Since supporting evidence is limited at this time, the clinical significance of this alteration remains unclear.